The following is an entry in ClinVar:

ClinVar aggregate classification (germline): Pathogenic (1 of 4 stars; one submission).

Conditions:
Pseudohypoparathyroidism type 1C (PHP1C). Also called: Pseudohypoparathyroidism Ic (PHP-Ic); PSEUDOHYPOPARATHYROIDISM, TYPE IC; PHP IC. Identifiers: Orphanet 79444, MedGen C2932716, MONDO:0012911, OMIM 612462.

Submission:

Department of Traditional Chinese Medicine, Fujian Provincial Hospital
Classification: Pathogenic for Pseudohypoparathyroidism type 1C. Review status: criteria provided, single submitter. Criteria: ACMG Guidelines, 2015. Collection method: research. Allele origin: inherited.
Comment: The sample detected the deletion of copy number in chr20:57331908-60789961(20q13.31-20q13.33,~3.46Mb), which contains 28 protein coding genes such as ANKRD60, APCDD1L, ATP5F1E, CDH26, CIMIP1, etc. According to CNV criteria, the copy number variation was rated as "pathogenic variation". The variant meets the following ACMG criteria: 2A: This copy number repeatedly contains haploid deficiency sensitive genes (GNAS) included in ClinGen database. 3B: This region contains 28 protein coding genes (25-34).

Literature cited by the submitters: PubMed 17161328.

NC_000020.10:g.57331908_60789961del

Genes: ATP5F1E (ATP synthase F1 subunit epsilon; minus strand), CDH26 (cadherin 26; plus strand), CDH4 (cadherin 4; plus strand), CDH4-AS2 (CDH4 antisense RNA 2; minus strand), CTSZ (cathepsin Z; minus strand) and 19 more. Cytogenetic location: 20q13.32-13.33.
Variant type: Deletion.
Identifiers: ClinVar variation 4082251 (VCV004082251.1).